The following is an entry in ClinVar:

ClinVar aggregate classification (germline): Uncertain significance (1 of 4 stars; one submission).

Conditions:
Dilated cardiomyopathy 1O (CMD1O). Also called: CARDIOMYOPATHY, DILATED, WITH VENTRICULAR TACHYCARDIA. Identifiers: Orphanet 154, MedGen C1837839, MONDO:0012062, OMIM 608569.

Submission:

Labcorp Genetics (formerly Invitae), Labcorp
Classification: Uncertain significance for Dilated cardiomyopathy 1O. Last evaluated: 2025-12-08. Review status: criteria provided, single submitter. Criteria: Invitae Variant Classification Sherloc (09022015). Collection method: clinical testing. Allele origin: germline.
Comment: This sequence change falls in intron 27 of the ABCC9 gene. It does not directly change the encoded amino acid sequence of the ABCC9 protein. It affects a nucleotide within the consensus splice site. This variant is not present in population databases (gnomAD no frequency). This variant has not been reported in the literature in individuals affected with ABCC9-related conditions. ClinVar contains an entry for this variant (Variation ID: 2152385). Variants that disrupt the consensus splice site are a relatively common cause of aberrant splicing (PMID: 17576681, 9536098). Algorithms developed to predict the effect of sequence changes on RNA splicing suggest that this variant may disrupt the consensus splice site. In summary, the available evidence is currently insufficient to determine the role of this variant in disease. Therefore, it has been classified as a Variant of Uncertain Significance.

Literature cited by the submitters: PubMed 17576681; PubMed 9536098.

NM_020297.4(ABCC9):c.3473+4A>C

Gene: ABCC9 (ATP binding cassette subfamily C member 9; minus strand). Cytogenetic location: 12p12.1.
Variant type: single nucleotide variant.
Coding change: c.3473+4A>C on transcript NM_020297.4 (MANE Select); 4 bases into the intron after coding-DNA position 3473, A replaced by C.
Molecular consequence: intron variant.
Genome position (GRCh38, 1-based): chr12:21,842,310, T>G on the plus strand (A>C on the coding strand, the complement: ABCC9 is on the minus strand). VCF-style: chr12-21842310-T-G. GRCh37 (hg19) VCF-style: chr12-21995244-T-G.
Other names: c.2606+4A>C (NM_001377274.1); c.3473+4A>C (NM_005691.4, NM_001377273.1).
Identifiers: ClinVar variation 2152385 (VCV002152385.4), dbSNP rs794728956, ClinGen allele CA2580085254.